The following is an entry in ClinVar:

ClinVar aggregate classification (germline): Likely benign. Review status: criteria provided, multiple submitters, no conflicts (2 of 4 stars). 2 submissions from 2 submitters: Likely benign (2). Last evaluated 2026-03-30.

Conditions:
IFT140-related disorder. Also called: IFT140-related condition.
Saldino-Mainzer syndrome (SRTD9). Also called: SHORT-RIB THORACIC DYSPLASIA 9 WITHOUT POLYDACTYLY; CONORENAL SYNDROME; short-rib thoracic dysplasia 9 with or without polydactyly; Renal dysplasia, retinal pigmentary dystrophy, cerebellar ataxia and skeletal dysplasia. Identifiers: Orphanet 140969, MedGen C1849437, MONDO:0009964, OMIM 266920.

Allele frequency attached by ClinVar (database versions not stated): gnomAD exomes below 0.00001; ExAC 0.00001; gnomAD 0.00001.
gnomAD v4.1: 9 of 1,614,070 alleles (0.00056%); highest among the groups gnomAD compares: South Asian, 0.0033%; no homozygotes.

Submissions (2):

PreventionGenetics, part of Exact Sciences
Classification: Likely benign for IFT140-related condition. Last evaluated: 2026-03-30. Review status: criteria provided, single submitter. Criteria: ACMG Guidelines, 2015. Collection method: clinical testing. Allele origin: germline.
Comment: This variant is classified as likely benign based on ACMG/AMP sequence variant interpretation guidelines (Richards et al. 2015 PMID: 25741868, with internal and published modifications).

Labcorp Genetics (formerly Invitae), Labcorp
Classification: Likely benign for Saldino-Mainzer syndrome. Last evaluated: 2022-07-23. Review status: criteria provided, single submitter. Criteria: Invitae Variant Classification Sherloc (09022015). Collection method: clinical testing. Allele origin: germline.

NM_014714.4(IFT140):c.3843C>G (p.Leu1281=)

Gene: IFT140 (intraflagellar transport 140; minus strand). Cytogenetic location: 16p13.3.
Variant type: single nucleotide variant.
Coding change: c.3843C>G on transcript NM_014714.4 (MANE Select); coding-DNA position 3843, C replaced by G.
Protein change: p.Leu1281=; no amino-acid change (leucine 1281 retained).
Molecular consequence: synonymous variant.
Genome position (GRCh38, 1-based): chr16:1,520,161, G>C on the plus strand (C>G on the coding strand, the complement: IFT140 is on the minus strand). VCF-style: chr16-1520161-G-C. GRCh37 (hg19) VCF-style: chr16-1570162-G-C.
Other names: c.3843C>G (NM_014714.3).
Identifiers: ClinVar variation 2164010 (VCV002164010.5), dbSNP rs750757587, ClinGen allele CA7813023.